The following is an entry in ClinVar:

NM_001256071.3(RNF213):c.15290C>T (p.Pro5097Leu)

Genes: RNF213 (ring finger protein 213; plus strand), RNF213-AS1 (RNF213 antisense RNA 1; minus strand). Cytogenetic location: 17q25.3.
Variant type: single nucleotide variant.
Coding change: c.15290C>T on transcript NM_001256071.3 (MANE Select); coding-DNA position 15290, C replaced by T.
Protein change: p.Pro5097Leu; replaces proline 5097 with leucine.
Molecular consequence: missense variant.
Genome position (GRCh38, 1-based): chr17:80,390,016, C>T. VCF-style: chr17-80390016-C-T. GRCh37 (hg19) VCF-style: chr17-78363816-C-T.
Other names: c.15437C>T, p.Pro5146Leu (NM_001410195.1, NM_020914.5); short protein forms P5097L, P5146L.
Identifiers: ClinVar variation 2500077 (VCV002500077.1), dbSNP rs767514563, ClinGen allele CA8823277.

ClinVar aggregate classification (germline): Uncertain significance (1 of 4 stars; one submission).

Conditions:
Moyamoya disease 2 (MYMY2). Also called: MOYAMOYA DISEASE 2, SUSCEPTIBILITY TO. Identifiers: Orphanet 2573, MedGen C1846689, MONDO:0011784, OMIM 607151.

Allele frequency attached by ClinVar (database versions not stated): ExAC 0.00001; gnomAD 0.00001; gnomAD exomes 0.00002; TOPMed 0.00002.
gnomAD v4.1: 24 of 1,614,112 alleles (0.0015%); highest among the groups gnomAD compares: Non-Finnish European, 0.002%; no homozygotes.

Submission:

Center for Genomics, Ann and Robert H. Lurie Children's Hospital of Chicago
Classification: Uncertain significance for Moyamoya disease 2. Last evaluated: 2022-06-15. Review status: criteria provided, single submitter. Criteria: ACMG Guidelines, 2015. Collection method: clinical testing. Allele origin: germline.
Comment: This variant has not been reported in the literature but is present in the Genome Aggregation Database (Highest reported MAF 0.001% (1/68040). This variant amino acid Leucine (Leu) is present in 4 mammal species but is conserved among evolutionarily distant species. Computational prediction tools do not suggest an impact. In summary, data on this variant is insufficient for disease classification. Therefore, the clinical significance of this variant is uncertain.